The following is an entry in ClinVar:

ClinVar aggregate classification (germline): Conflicting classifications of pathogenicity. Review status: criteria provided, conflicting classifications (1 of 4 stars). 6 submissions from 4 submitters: Uncertain significance (3); Benign (2); Likely benign (1). Last evaluated 2026-01-21.

Conditions:
Pyropoikilocytosis, hereditary. Also called: Pyropoikilocytosis. Identifiers: MedGen C0520739, MONDO:0009948, OMIM 266140, HP:0004839. Disease mechanism: loss of function.
Hereditary spherocytosis type 3. Also called: Spherocytosis type 3; SPTA1-Related Spherocytosis. Identifiers: Orphanet 822, MedGen C2678338, MONDO:0010053, OMIM 270970.
Elliptocytosis 2 (EL2). Also called: ELLIPTOCYTOSIS, RHESUS-UNLINKED TYPE. Identifiers: Orphanet 288, MedGen C1851741, MONDO:0007533, OMIM 130600.

Allele frequency attached by ClinVar (database versions not stated): gnomAD exomes 0.00055 and 0.00129; ExAC 0.00167; ESP Exome Variant Server 0.00406; gnomAD 0.00415 and 0.00433; TOPMed 0.00496; 1000 Genomes Project 0.00719; 1000 Genomes Project 30x 0.00734.
gnomAD v4.1: 1,469 of 1,613,624 alleles (0.091%); highest among the groups gnomAD compares: African/African-American, 1.5%; 9 homozygotes.

Submissions (6):

Labcorp Genetics (formerly Invitae), Labcorp
Classification: Benign. Last evaluated: 2026-01-21. Review status: criteria provided, single submitter. Criteria: Invitae Variant Classification Sherloc (09022015). Collection method: clinical testing. Allele origin: germline.

Mayo Clinic Laboratories, Mayo Clinic
Classification: Uncertain significance. Last evaluated: 2025-10-27. Review status: criteria provided, single submitter. Criteria: ACMG Guidelines, 2015. Collection method: clinical testing. Allele origin: germline. Observed: 15 variant alleles.

ARUP Laboratories, Molecular Genetics and Genomics, ARUP Laboratories
Classification: Benign. Last evaluated: 2024-08-23. Review status: criteria provided, single submitter. Criteria: ARUP Molecular Germline Variant Investigation Process 2024. Collection method: clinical testing. Allele origin: germline.

Illumina Laboratory Services, Illumina
Classification: Uncertain significance for Hereditary spherocytosis type 3. Last evaluated: 2018-01-12. Review status: criteria provided, single submitter. Criteria: ICSL Variant Classification Criteria 13 December 2019. Collection method: clinical testing. Allele origin: germline.

Illumina Laboratory Services, Illumina
Classification: Uncertain significance for Pyropoikilocytosis, hereditary. Last evaluated: 2018-01-12. Review status: criteria provided, single submitter. Criteria: ICSL Variant Classification Criteria 13 December 2019. Collection method: clinical testing. Allele origin: germline.

Illumina Laboratory Services, Illumina
Classification: Likely benign for Elliptocytosis 2. Last evaluated: 2018-01-12. Review status: criteria provided, single submitter. Criteria: ICSL Variant Classification Criteria 13 December 2019. Collection method: clinical testing. Allele origin: germline.
Comment: This variant was observed in the ICSL laboratory as part of a predisposition screen in an ostensibly healthy population. It had not been previously curated by ICSL or reported in the Human Gene Mutation Database (HGMD: prior to June 1st, 2018), and was therefore a candidate for classification through an automated scoring system. Utilizing variant allele frequency, disease prevalence and penetrance estimates, and inheritance mode, an automated score was calculated to assess if this variant is too frequent to cause the disease. Based on the score and internal cut-off values, a variant classified as likely benign is not then subjected to further curation. The score for this variant resulted in a classification of likely benign for this disease.

NM_003126.4(SPTA1):c.6850G>A (p.Asp2284Asn)

Gene: SPTA1 (spectrin alpha, erythrocytic 1; minus strand). Cytogenetic location: 1q23.1.
Variant type: single nucleotide variant.
Coding change: c.6850G>A on transcript NM_003126.4 (MANE Select); coding-DNA position 6850, G replaced by A.
Protein change: p.Asp2284Asn; replaces aspartic acid 2284 with asparagine.
Molecular consequence: missense variant.
Genome position (GRCh38, 1-based): chr1:158,613,860, C>T on the plus strand (G>A on the coding strand, the complement: SPTA1 is on the minus strand). VCF-style: chr1-158613860-C-T. GRCh37 (hg19) VCF-style: chr1-158583650-C-T.
Other names: short protein forms D2284N.
Identifiers: ClinVar variation 292943 (VCV000292943.32), dbSNP rs138732899, ClinGen allele CA1181797.